The following is an entry in ClinVar:

ClinVar aggregate classification (germline): Uncertain significance (1 of 4 stars; one submission).

Conditions:
Cardiovascular phenotype. Identifiers: MedGen CN230736.
Hereditary cancer-predisposing syndrome. Also called: Neoplastic Syndromes, Hereditary; Tumor predisposition; Hereditary neoplastic syndrome; Hereditary Cancer Syndrome. Identifiers: Orphanet 140162, MedGen C0027672, MeSH D009386, MONDO:0015356.

Submission:

Ambry Genetics
Classification: Uncertain significance for Cardiovascular phenotype; Hereditary cancer-predisposing syndrome. Last evaluated: 2025-05-24. Review status: criteria provided, single submitter. Criteria: Ambry Variant Classification Scheme 2023. Collection method: clinical testing. Allele origin: germline.
Comment: The p.L651Q variant (also known as c.1952T>A), located in coding exon 17 of the NF1 gene, results from a T to A substitution at nucleotide position 1952. The leucine at codon 651 is replaced by glutamine, an amino acid with dissimilar properties. This amino acid position is conserved. In addition, the in silico prediction for this alteration is inconclusive. Based on the available evidence, the clinical significance of this variant remains unclear.

NM_001042492.3(NF1):c.1952T>A (p.Leu651Gln)

Gene: NF1 (neurofibromin 1; plus strand). Cytogenetic location: 17q11.2.
Variant type: single nucleotide variant.
Coding change: c.1952T>A on transcript NM_001042492.3 (MANE Select); coding-DNA position 1952, T replaced by A.
Protein change: p.Leu651Gln; replaces leucine 651 with glutamine.
Molecular consequence: missense variant.
Genome position (GRCh38, 1-based): chr17:31,225,201, T>A. VCF-style: chr17-31225201-T-A. GRCh37 (hg19) VCF-style: chr17-29552219-T-A.
Other names: c.1952T>A, p.Leu651Gln (NM_000267.4); short protein forms L651Q.
Identifiers: ClinVar variation 4033674 (VCV004033674.1).
Genomic context (GRCh38, chr17:31,225,201, plus strand): 5'-GATGTGATATTCCTTCTAGTGGAAATACCAGTCAAATGTCCATGGATCATGAAGAATTAC[T>A]ACGTACTCCTGGAGCCTCTCTCCGGAAGGGAAAAGGGAACTCCTCTATGGTCAGCTTCTT-3'
Protein context (NP_001035957.1, residues 641-661): SQMSMDHEEL[Leu651Gln]RTPGASLRKG